The following is an entry in ClinVar:

NM_001440.4(EXTL3):c.2276+3G>A

Gene: EXTL3 (exostosin like glycosyltransferase 3; plus strand). Cytogenetic location: 8p21.1.
Variant type: single nucleotide variant.
Coding change: c.2276+3G>A on transcript NM_001440.4 (MANE Select); 3 bases into the intron after coding-DNA position 2276, G replaced by A.
Molecular consequence: intron variant.
Genome position (GRCh38, 1-based): chr8:28,731,353, G>A. VCF-style: chr8-28731353-G-A. GRCh37 (hg19) VCF-style: chr8-28588870-G-A.
Identifiers: ClinVar variation 1462211 (VCV001462211.6), dbSNP rs372406251, ClinGen allele CA4696376.

ClinVar aggregate classification (germline): Uncertain significance (1 of 4 stars; one submission).

Allele frequency attached by ClinVar (database versions not stated): gnomAD exomes 0.00001; TOPMed 0.00001; ExAC 0.00002; ESP Exome Variant Server 0.00015.
gnomAD v4.1: 14 of 1,614,220 alleles (0.00087%); highest among the groups gnomAD compares: African/African-American, 0.0013%; no homozygotes.

Submission:

Labcorp Genetics (formerly Invitae), Labcorp
Classification: Uncertain significance. Last evaluated: 2021-01-19. Review status: criteria provided, single submitter. Criteria: Invitae Variant Classification Sherloc (09022015). Collection method: clinical testing. Allele origin: germline.
Comment: In summary, the available evidence is currently insufficient to determine the role of this variant in disease. Therefore, it has been classified as a Variant of Uncertain Significance. This sequence change falls in intron 4 of the EXTL3 gene. It does not directly change the encoded amino acid sequence of the EXTL3 protein. It affects a nucleotide within the consensus splice site of the intron. This variant is present in population databases (rs372406251, ExAC 0.02%). This variant has not been reported in the literature in individuals with EXTL3-related conditions. Nucleotide substitutions within the consensus splice site are a relatively common cause of aberrant splicing (PMID: 17576681, 9536098). Algorithms developed to predict the effect of sequence changes on RNA splicing suggest that this variant is not likely to affect RNA splicing, but this prediction has not been confirmed by published transcriptional studies.

Literature cited by the submitters: PubMed 17576681; PubMed 9536098.